The following is an entry in ClinVar:

Conditions:
Long QT syndrome 5 (LQT5). Identifiers: Orphanet 101016, Orphanet 768, MedGen C1867904, MONDO:0013372, OMIM 613695.

Submission:

Roden Lab, Vanderbilt University Medical Center
No classification provided (evidence only). Condition: Long QT syndrome 5. Review status: no classification provided. Collection method: in vitro. Allele origin: not applicable. Functional consequence: Effect on ion channel function.
ClinVar note: "not provided" was previously submitted as the classification for the variant. However, the classification appeared to be based only on an observation of functional data so it was converted to no classification on 2025-07-30.

NM_000219.6(KCNE1):c.195C>A (p.Tyr65Ter)

Gene: KCNE1 (potassium voltage-gated channel subfamily E regulatory subunit 1; minus strand). Cytogenetic location: 21q22.12.
Variant type: single nucleotide variant.
Coding change: c.195C>A on transcript NM_000219.6 (MANE Select); coding-DNA position 195, C replaced by A.
Protein change: p.Tyr65Ter; replaces tyrosine 65 with a stop codon.
Molecular consequence: nonsense.
Genome position (GRCh38, 1-based): chr21:34,449,440, G>T on the plus strand (C>A on the coding strand, the complement: KCNE1 is on the minus strand). VCF-style: chr21-34449440-G-T. GRCh37 (hg19) VCF-style: chr21-35821738-G-T.
Other names: c.195C>A, p.Tyr65Ter (NM_001127668.4, NM_001127669.4, NM_001127670.4 and 4 more transcripts); short protein forms Y65*.
Identifiers: ClinVar variation 3374300 (VCV003374300.2).